The following is an entry in ClinVar:

NM_002230.4(JUP):c.213T>C (p.Asp71=)

Gene: JUP (junction plakoglobin; minus strand). Cytogenetic location: 17q21.2.
Variant type: single nucleotide variant.
Coding change: c.213T>C on transcript NM_002230.4 (MANE Select); coding-DNA position 213, T replaced by C.
Protein change: p.Asp71=; no amino-acid change (aspartic acid 71 retained).
Molecular consequence: synonymous variant.
Genome position (GRCh38, 1-based): chr17:41,769,673, A>G on the plus strand (T>C on the coding strand, the complement: JUP is on the minus strand). VCF-style: chr17-41769673-A-G. GRCh37 (hg19) VCF-style: chr17-39925925-A-G.
Other names: p.Asp71=; c.213T>C (NM_002230.3); c.213T>C, p.Asp71= (NM_001352773.2, NM_001352774.2, NM_001352775.2 and 3 more transcripts).
Identifiers: ClinVar variation 45845 (VCV000045845.40), dbSNP rs7405731, ClinGen allele CA137183.

ClinVar aggregate classification (germline): Benign. Review status: criteria provided, multiple submitters, no conflicts (2 of 4 stars). 19 submissions from 17 submitters: Benign (13). 6 of the submissions do not count toward it. Last evaluated 2026-02-04.

Conditions:
Cardiovascular phenotype. Identifiers: MedGen CN230736.
Naxos disease (NXD). Also called: KERATOSIS PALMOPLANTARIS WITH ARRHYTHMOGENIC CARDIOMYOPATHY; MAL DE NAXOS; PALMOPLANTAR KERATODERMA WITH ARRHYTHMOGENIC RIGHT VENTRICULAR CARDIOMYOPATHY AND WOOLLY HAIR; WOOLLY HAIR, PALMOPLANTAR KERATODERMA, AND CARDIAC ABNORMALITIES; CARDIOMYOPATHY, ARRHYTHMOGENIC RIGHT VENTRICULAR, WITH SKIN, HAIR, AND NAIL ABNORMALITIES. Identifiers: Orphanet 34217, MedGen C1832600, MONDO:0011017, OMIM 601214.
Arrhythmogenic right ventricular dysplasia 12. Also called: ARRHYTHMOGENIC RIGHT VENTRICULAR DYSPLASIA, FAMILIAL, 12. Identifiers: MedGen C1969081, MONDO:0012684, OMIM 611528.
Cardiomyopathy (CMYO). Also called: Cardiomyopathies. Identifiers: Orphanet 167848, MedGen C0878544, MONDO:0004994, HP:0001638. Inheritance: Various modes of inheritance.

Allele frequency attached by ClinVar (database versions not stated): gnomAD exomes 0.71114; 1000 Genomes Project 30x 0.71299; 1000 Genomes Project 0.71565; TOPMed 0.77044; gnomAD 0.77675; ESP Exome Variant Server 0.79556.
gnomAD v4.1: 1,208,750 of 1,606,858 alleles (75%); highest among the groups gnomAD compares: African/African-American, 89%; 458,367 homozygotes.

Submissions (19):

Labcorp Genetics (formerly Invitae), Labcorp
Classification: Benign for Arrhythmogenic right ventricular dysplasia 12; Naxos disease. Last evaluated: 2026-02-04. Review status: criteria provided, single submitter. Criteria: Invitae Variant Classification Sherloc (09022015). Collection method: clinical testing. Allele origin: germline.

Molecular Diagnostic Laboratory for Inherited Cardiovascular Disease, Montreal Heart Institute
Classification: Benign. Last evaluated: 2025-04-08. Review status: criteria provided, single submitter. Criteria: ACMG Guidelines, 2015. Collection method: clinical testing. Allele origin: germline. Affected: no.

Blueprint Genetics
Classification: Benign. Last evaluated: 2024-11-28. Review status: criteria provided, single submitter. Criteria: ACMG Guidelines, 2015. Collection method: clinical testing. Allele origin: germline.

Genome-Nilou Lab
Classification: Benign for Arrhythmogenic right ventricular dysplasia 12. Last evaluated: 2021-08-19. Review status: criteria provided, single submitter. Criteria: ACMG Guidelines, 2015. Collection method: clinical testing. Allele origin: germline. Affected: no.

Genome-Nilou Lab
Classification: Benign for Naxos disease. Last evaluated: 2021-08-19. Review status: criteria provided, single submitter. Criteria: ACMG Guidelines, 2015. Collection method: clinical testing. Allele origin: germline. Affected: no.

Illumina Laboratory Services, Illumina
Classification: Benign for Arrhythmogenic right ventricular dysplasia 12. Last evaluated: 2018-01-13. Review status: criteria provided, single submitter. Criteria: ICSL Variant Classification Criteria 13 December 2019. Collection method: clinical testing. Allele origin: germline.
Comment: This variant was observed in the ICSL laboratory as part of a predisposition screen in an ostensibly healthy population. It had not been previously curated by ICSL or reported in the Human Gene Mutation Database (HGMD: prior to June 1st, 2018), and was therefore a candidate for classification through an automated scoring system. Utilizing variant allele frequency, disease prevalence and penetrance estimates, and inheritance mode, an automated score was calculated to assess if this variant is too frequent to cause the disease. Based on the score and internal cut-off values, a variant classified as benign is not then subjected to further curation. The score for this variant resulted in a classification of benign for this disease.

Illumina Laboratory Services, Illumina
Classification: Benign for Naxos disease. Last evaluated: 2018-01-13. Review status: criteria provided, single submitter. Criteria: ICSL Variant Classification Criteria 13 December 2019. Collection method: clinical testing. Allele origin: germline.
Comment: the same text as in the submission from Illumina Laboratory Services, Illumina above.

Ambry Genetics
Classification: Benign for Cardiovascular phenotype. Last evaluated: 2015-03-09. Review status: criteria provided, single submitter. Criteria: Ambry Variant Classification Scheme 2023. Collection method: clinical testing. Allele origin: germline.

GeneDx
Classification: Benign. Last evaluated: 2015-03-03. Review status: criteria provided, single submitter. Criteria: GeneDx Variant Classification Process June 2021. Collection method: clinical testing. Allele origin: germline. Affected: yes.

Mayo Clinic Laboratories, Mayo Clinic
Classification: Benign. Last evaluated: 2014-02-25. Review status: criteria provided, single submitter. Criteria: ACMG Guidelines, 2015. Collection method: clinical testing. Allele origin: germline. Observed: 1,189 variant alleles.

Laboratory for Molecular Medicine, Mass General Brigham Personalized Medicine
Classification: Benign. Last evaluated: 2011-11-30. Review status: criteria provided, single submitter. Criteria: LMM Criteria. Collection method: clinical testing. Allele origin: germline. Observed: 1,693 variant alleles.

Breakthrough Genomics
Classification: Benign. Review status: criteria provided, single submitter. Criteria: ACMG Guidelines, 2015. Collection method: not provided. Allele origin: germline. Inheritance: Autosomal recessive inheritance. Affected: yes.

PreventionGenetics, part of Exact Sciences
Classification: Benign. Review status: criteria provided, single submitter. Criteria: ACMG Guidelines, 2015. Collection method: clinical testing. Allele origin: germline.

Cohesion Phenomics
Classification: Benign for Cardiomyopathy. Last evaluated: 2022-09-23. Review status: no assertion criteria provided. Criteria: ACMG Guidelines, 2015. Collection method: clinical testing. Allele origin: germline. Affected: yes. Not counted in ClinVar's aggregate classification.

Clinical Genetics DNA and cytogenetics Diagnostics Lab, Erasmus MC, Erasmus Medical Center
Classification: Benign. Review status: no assertion criteria provided. Collection method: clinical testing. Allele origin: germline. Affected: yes. Study: VKGL Data-share Consensus. Not counted in ClinVar's aggregate classification.

Clinical Genetics, Academic Medical Center
Classification: Benign. Review status: no assertion criteria provided. Collection method: clinical testing. Allele origin: germline. Affected: yes. Study: VKGL Data-share Consensus. Not counted in ClinVar's aggregate classification.

Diagnostic Laboratory, Department of Genetics, University Medical Center Groningen
Classification: Benign. Review status: no assertion criteria provided. Collection method: clinical testing. Allele origin: germline. Affected: yes. Study: VKGL Data-share Consensus. Not counted in ClinVar's aggregate classification.

Genome Diagnostics Laboratory, University Medical Center Utrecht
Classification: Benign. Review status: no assertion criteria provided. Collection method: clinical testing. Allele origin: germline. Affected: yes. Study: VKGL Data-share Consensus. Not counted in ClinVar's aggregate classification.

Joint Genome Diagnostic Labs from Nijmegen and Maastricht, Radboudumc and MUMC+
Classification: Benign. Review status: no assertion criteria provided. Collection method: clinical testing. Allele origin: germline. Affected: yes. Study: VKGL Data-share Consensus. Not counted in ClinVar's aggregate classification.